The following is an entry in ClinVar:

ClinVar aggregate classification (germline): Uncertain significance (1 of 4 stars; one submission).

Conditions:
BAP1-related tumor predisposition syndrome (TPDS1). Also called: TUMOR PREDISPOSITION SYNDROME 1; Tumor susceptibility linked to germline BAP1 mutations; COMMON Syndrome; BAP1 tumor predisposition syndrome. Identifiers: Orphanet 289539, MedGen C3280492, MONDO:0013692, OMIM 614327.

Submission:

Labcorp Genetics (formerly Invitae), Labcorp
Classification: Uncertain significance for BAP1-related tumor predisposition syndrome. Last evaluated: 2022-03-29. Review status: criteria provided, single submitter. Criteria: Invitae Variant Classification Sherloc (09022015). Collection method: clinical testing. Allele origin: germline.
Comment: This sequence change replaces proline, which is neutral and non-polar, with arginine, which is basic and polar, at codon 12 of the BAP1 protein (p.Pro12Arg). In summary, the available evidence is currently insufficient to determine the role of this variant in disease. Therefore, it has been classified as a Variant of Uncertain Significance. Algorithms developed to predict the effect of missense changes on protein structure and function are either unavailable or do not agree on the potential impact of this missense change (SIFT: "Deleterious"; PolyPhen-2: "Probably Damaging"; Align-GVGD: "Class C0"). This variant has not been reported in the literature in individuals affected with BAP1-related conditions. This variant is not present in population databases (gnomAD no frequency).

NM_004656.4(BAP1):c.35C>G (p.Pro12Arg)

Gene: BAP1 (BRCA1 associated deubiquitinase 1; minus strand). Cytogenetic location: 3p21.1.
Variant type: single nucleotide variant.
Coding change: c.35C>G on transcript NM_004656.4 (MANE Select); coding-DNA position 35, C replaced by G.
Protein change: p.Pro12Arg; replaces proline 12 with arginine.
Molecular consequence: missense variant.
Genome position (GRCh38, 1-based): chr3:52,409,844, G>C on the plus strand (C>G on the coding strand, the complement: BAP1 is on the minus strand). VCF-style: chr3-52409844-G-C. GRCh37 (hg19) VCF-style: chr3-52443860-G-C.
Other names: c.35C>G, p.Pro12Arg (NM_001410772.1); short protein forms P12R.
Identifiers: ClinVar variation 2119176 (VCV002119176.4), dbSNP rs2471367690, ClinGen allele CA353115044.